The following is an entry in ClinVar:

ClinVar aggregate classification (germline): Pathogenic. Review status: criteria provided, multiple submitters, no conflicts (2 of 4 stars). 5 submissions from 5 submitters: Pathogenic (4). 1 of the submissions does not count toward it. Last evaluated 2025-11-11.

Conditions:
PGM1-congenital disorder of glycosylation. Also called: PHOSPHOGLUCOMUTASE 1 DEFICIENCY; PGM1 DEFICIENCY; GLYCOGEN STORAGE DISEASE XIV; GSD XIV; CDG It; Congenital disorder of glycosylation type 1t. Identifiers: Orphanet 319646, MedGen C2752015, MONDO:0013968, OMIM 614921.

Allele frequency attached by ClinVar (database versions not stated): gnomAD 0.00001; gnomAD exomes 0.00001; TOPMed 0.00003.
gnomAD v4.1: 18 of 1,613,832 alleles (0.0011%); highest among the groups gnomAD compares: East Asian, 0.0022%; no homozygotes.

Submissions (5):

Dasa
Classification: Pathogenic. Last evaluated: 2025-11-11. Review status: criteria provided, single submitter. Criteria: DASA Assertion Criteria. Collection method: clinical testing. Allele origin: germline.
Comment: NM_002633.3(PGM1):c.1507C>T (p.Arg503*) introduces a premature termination codon predicted to result in loss of normal protein function. Loss-of-function is an established mechanism of disease for this gene. This variant has been observed in affected individuals with related phenotype in a genotype context consistent with recessive disease (PMID: 22492991; PMID: 24499211; PMID: 33342467; PMID: 29858906). This variant has been recurrently observed in individuals with related phenotype (PMID: 22492991; PMID: 24499211; PMID: 33342467; PMID: 29858906). The variant is present at low frequency in population datasets. Based on the available data, this variant is classified as pathogenic.

GeneDx
Classification: Pathogenic. Last evaluated: 2024-02-21. Review status: criteria provided, single submitter. Criteria: GeneDx Variant Classification Process June 2021. Collection method: clinical testing. Allele origin: germline. Affected: yes.
Comment: Nonsense variant predicted to result in protein truncation or nonsense mediated decay in a gene for which loss of function is a known mechanism of disease; Not observed at significant frequency in large population cohorts (gnomAD); This variant is associated with the following publications: (PMID: 36007526, 24499211, 22492991, 29858906)

Labcorp Genetics (formerly Invitae), Labcorp
Classification: Pathogenic for PGM1-congenital disorder of glycosylation. Last evaluated: 2020-12-24. Review status: criteria provided, single submitter. Criteria: Invitae Variant Classification Sherloc (09022015). Collection method: clinical testing. Allele origin: germline.
Comment: This variant has been observed in individual(s) with PGM1-congenital disorder of glycosylation (PMID: 22492991, 24499211). ClinVar contains an entry for this variant (Variation ID: 39772). For these reasons, this variant has been classified as Pathogenic. Loss-of-function variants in PGM1 are known to be pathogenic (PMID: 22492991). This variant is not present in population databases (ExAC no frequency). This sequence change creates a premature translational stop signal (p.Arg503*) in the PGM1 gene. It is expected to result in an absent or disrupted protein product.

Rady Children's Institute for Genomic Medicine, Rady Children's Hospital San Diego
Classification: Pathogenic for CONGENITAL DISORDER OF GLYCOSYLATION, TYPE It. Last evaluated: 2018-12-13. Review status: criteria provided, single submitter. Criteria: ACMG Guidelines, 2015. Collection method: clinical testing. Allele origin: germline. Affected: yes. Observed: 1 variant allele.
Comment: This nonsense variant found in exon 10 of 11 is predicted to result in loss of normal protein function. This variant has been previously reported as a homozygous change in two patients with Pierre Robin sequence, cleft palate, tachycardia, dilated cardiomyopathy, elevated creatine kinase, and elevated liver enzymes (PMID: 22492991, 24499211) and as a compound heterozygous change in trans with c.1172G>T p.Gly391Val in one patient with hypoglycemia, cleft palate, micrognathia, delayed speech development, elevated liver enzymes, and mild enlargment of the left ventricle (PMID: 29858906). Functional characterization of fibroblasts from both patients with a homozygous change demonstrated phosphoglucomutase activity of 7-8% as compared to controls (PMID: 22492991). It is present in the heterozygous state in the gnomAD population database at a frequency of 0.0012% (3/251206) and thus is presumed to be rare. Based on the available evidence, the c.1561C>T p.Arg521Ter variant is classified as pathogenic.

OMIM
Classification: Pathogenic for CONGENITAL DISORDER OF GLYCOSYLATION, TYPE It. Last evaluated: 2012-10-01. Review status: no assertion criteria provided. Collection method: literature only. Allele origin: germline. Not counted in ClinVar's aggregate classification.

Literature cited by the submitters: PubMed 22492991 (cited by 3 submitters); PubMed 24499211 (cited by Dasa and Labcorp Genetics (formerly Invitae), Labcorp); PubMed 33342467 (cited by Dasa and OMIM); PubMed 29858906 (cited by Dasa).

NM_002633.3(PGM1):c.1507C>T (p.Arg503Ter)

Gene: PGM1 (phosphoglucomutase 1; plus strand). Cytogenetic location: 1p31.3.
Variant type: single nucleotide variant.
Coding change: c.1507C>T on transcript NM_002633.3 (MANE Select); coding-DNA position 1507, C replaced by T.
Protein change: p.Arg503Ter; replaces arginine 503 with a stop codon.
Molecular consequence: nonsense.
Genome position (GRCh38, 1-based): chr1:63,654,374, C>T. VCF-style: chr1-63654374-C-T. GRCh37 (hg19) VCF-style: chr1-64120045-C-T.
Other names: c.1561C>T, p.Arg521Ter (NM_001172818.1); c.916C>T, p.Arg306Ter (NM_001172819.2); short protein forms R503*, R521*, R306*.
Identifiers: ClinVar variation 39772 (VCV000039772.17), dbSNP rs397515423, ClinGen allele CA130546.